The following is an entry in ClinVar:

NM_000465.4(BARD1):c.2242G>C (p.Glu748Gln)

Gene: BARD1 (BRCA1 associated RING domain 1; minus strand). Cytogenetic location: 2q35.
Variant type: single nucleotide variant.
Coding change: c.2242G>C on transcript NM_000465.4 (MANE Select); coding-DNA position 2242, G replaced by C.
Protein change: p.Glu748Gln; replaces glutamic acid 748 with glutamine.
Molecular consequence: missense variant. On other transcripts: non-coding transcript variant (3).
Genome position (GRCh38, 1-based): chr2:214,728,768, C>G on the plus strand (G>C on the coding strand, the complement: BARD1 is on the minus strand). VCF-style: chr2-214728768-C-G. GRCh37 (hg19) VCF-style: chr2-215593492-C-G.
Other names: c.2185G>C, p.Glu729Gln (NM_001282543.2); c.889G>C, p.Glu297Gln (NM_001282545.2); c.832G>C, p.Glu278Gln (NM_001282548.2); c.703G>C, p.Glu235Gln (NM_001282549.2); short protein forms E297Q, E235Q, E729Q, E748Q, E278Q.
Identifiers: ClinVar variation 1046919 (VCV001046919.9), dbSNP rs879253880, ClinGen allele CA350450020.
Genomic context (GRCh38, chr2:214,728,768, plus strand): 5'-TCACACAGTCTATAAACCAGCTCGAAGGAGCCTTCCAGACTTTGCCCTGCCGAACCCTCT[C>G]TGGGTGATAATTACACAAATCTTCATAGATGATATACTGTGTGCAGAAGCGCTGATCAGA-3'
Protein context (NP_000456.2, residues 738-758): IYEDLCNYHP[Glu748Gln]RVRQGKVWKA

ClinVar aggregate classification (germline): Uncertain significance. Review status: criteria provided, multiple submitters, no conflicts (2 of 4 stars). 2 submissions from 2 submitters: Uncertain significance (2). Last evaluated 2021-09-15.

Conditions:
Familial cancer of breast. Also called: Hereditary breast cancer; hereditary breast carcinoma; BREAST CANCER, FAMILIAL. Identifiers: Orphanet 227535, MedGen C0346153, MONDO:0016419, OMIM 114480. Disease mechanism: loss of function.

Submissions (2):

Labcorp Genetics (formerly Invitae), Labcorp
Classification: Uncertain significance for Familial cancer of breast. Last evaluated: 2021-09-15. Review status: criteria provided, single submitter. Criteria: Invitae Variant Classification Sherloc (09022015). Collection method: clinical testing. Allele origin: germline.
Comment: ClinVar contains an entry for this variant (Variation ID: 1046919). In summary, the available evidence is currently insufficient to determine the role of this variant in disease. Therefore, it has been classified as a Variant of Uncertain Significance. Algorithms developed to predict the effect of missense changes on protein structure and function (SIFT, PolyPhen-2, Align-GVGD) all suggest that this variant is likely to be tolerated. This variant has not been reported in the literature in individuals affected with BARD1-related conditions. This variant is not present in population databases (ExAC no frequency). This sequence change replaces glutamic acid with glutamine at codon 748 of the BARD1 protein (p.Glu748Gln). The glutamic acid residue is highly conserved and there is a small physicochemical difference between glutamic acid and glutamine.

GeneDx
Classification: Uncertain significance. Last evaluated: 2021-05-17. Review status: criteria provided, single submitter. Criteria: GeneDx Variant Classification Process June 2021. Collection method: clinical testing. Allele origin: germline. Affected: yes.
Comment: Not observed in large population cohorts (Lek et al., 2016); In silico analysis supports that this missense variant does not alter protein structure/function; Has not been previously published as pathogenic or benign to our knowledge